The following is an entry in ClinVar:

NM_001042492.3(NF1):c.2873_2876del (p.Thr958fs)

Gene: NF1 (neurofibromin 1; plus strand). Cytogenetic location: 17q11.2.
Variant type: Deletion.
Coding change: c.2873_2876del on transcript NM_001042492.3 (MANE Select); coding-DNA positions 2873 to 2876, 4 bases deleted (CTCA; older notation c.2873_2876delCTCA).
Protein change: p.Thr958fs; shifts the reading frame from threonine 958.
Molecular consequence: frameshift variant.
Genome position (GRCh38, 1-based): chr17:31,229,857-31,229,860, CTCA deleted; deleting any 4 consecutive bases within chr17:31,229,856-31,229,860 gives the same sequence; the c. name uses the placement nearest the transcript's 3' end. VCF-style (leftmost placement, unchanged base first): chr17-31229855-TACTC-T. GRCh37 (hg19) VCF-style: chr17-29556873-TACTC-T.
Other names: c.2873_2876del, p.Thr958fs (NM_000267.4); short protein forms T958fs.
Identifiers: ClinVar variation 4713766 (VCV004713766.1).

ClinVar aggregate classification (germline): Pathogenic (1 of 4 stars; one submission).

Conditions:
Neurofibromatosis, type 1 (NF1). Also called: VON RECKLINGHAUSEN DISEASE; Peripheral type neurofibromatosis; NEUROFIBROMATOSIS, TYPE I, SOMATIC; Neurofibromatosis, type I. Identifiers: Orphanet 636, MedGen C0027831, MONDO:0018975, OMIM 162200. Disease mechanism: loss of function.

Submission:

Labcorp Genetics (formerly Invitae), Labcorp
Classification: Pathogenic for Neurofibromatosis, type 1. Last evaluated: 2025-02-25. Review status: criteria provided, single submitter. Criteria: Invitae Variant Classification Sherloc (09022015). Collection method: clinical testing. Allele origin: germline.
Comment: This sequence change creates a premature translational stop signal (p.Thr958Asnfs*3) in the NF1 gene. It is expected to result in an absent or disrupted protein product. Loss-of-function variants in NF1 are known to be pathogenic (PMID: 10712197, 23913538). This variant is present in population databases (rs764503204, gnomAD 0.0009%). This variant has not been reported in the literature in individuals affected with NF1-related conditions. Algorithms developed to predict the effect of sequence changes on RNA splicing suggest that this variant may disrupt the consensus splice site. For these reasons, this variant has been classified as Pathogenic.

Literature cited by the submitters: PubMed 10712197; PubMed 23913538.